The following is an entry in ClinVar:

ClinVar aggregate classification (germline): Conflicting classifications of pathogenicity. Review status: criteria provided, conflicting classifications (1 of 4 stars). 4 submissions from 4 submitters: Uncertain significance (2); Benign (1); Likely benign (1). Last evaluated 2025-10-23.

Conditions:
Hereditary cancer-predisposing syndrome. Also called: Hereditary neoplastic syndrome; Tumor predisposition; Neoplastic Syndromes, Hereditary; Hereditary Cancer Syndrome. Identifiers: Orphanet 140162, MedGen C0027672, MeSH D009386, MONDO:0015356.
Gorlin syndrome. Also called: Nevoid Basal Cell Carcinoma Syndrome; Basal cell nevus syndrome. Identifiers: Orphanet 377, MedGen C0004779, MONDO:0007187.

Allele frequency attached by ClinVar (database versions not stated): gnomAD exomes 0.00001 and 0.00002; TOPMed 0.00001.
gnomAD v4.1: 5 of 1,613,900 alleles (0.00031%); highest among the groups gnomAD compares: Admixed American, 0.005%; no homozygotes.

Submissions (4):

Labcorp Genetics (formerly Invitae), Labcorp
Classification: Benign for Gorlin syndrome. Last evaluated: 2025-10-23. Review status: criteria provided, single submitter. Criteria: Invitae Variant Classification Sherloc (09022015). Collection method: clinical testing. Allele origin: germline.

ARUP Laboratories, Molecular Genetics and Genomics, ARUP Laboratories
Classification: Uncertain significance. Last evaluated: 2025-06-27. Review status: criteria provided, single submitter. Criteria: ARUP Molecular Germline Variant Investigation Process 2024. Collection method: clinical testing. Allele origin: germline.
Comment: The PTCH1 c.955A>G; p.Met319Val variant (rs1438545679), to our knowledge, is not reported in the medical literature but is reported in ClinVar (Variation ID: 524497). This variant is only observed on four alleles in the Genome Aggregation Database (v2.1.1), indicating it is not a common polymorphism. Computational analyses are uncertain whether this variant is neutral or deleterious (REVEL: 0.212). Due to limited information, the clinical significance of this variant is uncertain at this time.

GeneDx
Classification: Uncertain significance. Last evaluated: 2023-06-06. Review status: criteria provided, single submitter. Criteria: GeneDx Variant Classification Process June 2021. Collection method: clinical testing. Allele origin: germline. Affected: yes.
Comment: In silico analysis supports that this missense variant does not alter protein structure/function; Has not been previously published as pathogenic or benign to our knowledge; This variant is associated with the following publications: (PMID: Koo2019[Article], 8906794, 21234763)

Ambry Genetics
Classification: Likely benign for Hereditary cancer-predisposing syndrome. Last evaluated: 2021-09-02. Review status: criteria provided, single submitter. Criteria: Ambry Variant Classification Scheme 2023. Collection method: clinical testing. Allele origin: germline.

NM_000264.5(PTCH1):c.955A>G (p.Met319Val)

Gene: PTCH1 (patched 1; minus strand). Cytogenetic location: 9q22.32.
Variant type: single nucleotide variant.
Coding change: c.955A>G on transcript NM_000264.5 (MANE Select); coding-DNA position 955, A replaced by G.
Protein change: p.Met319Val; replaces methionine 319 with valine.
Molecular consequence: missense variant. On other transcripts: non-coding transcript variant (1).
Genome position (GRCh38, 1-based): chr9:95,480,081, T>C on the plus strand (A>G on the coding strand, the complement: PTCH1 is on the minus strand). VCF-style: chr9-95480081-T-C. GRCh37 (hg19) VCF-style: chr9-98242363-T-C.
Other names: c.757A>G, p.Met253Val (NM_001083602.3); c.952A>G, p.Met318Val (NM_001083603.3); c.502A>G, p.Met168Val (NM_001083604.3, NM_001083605.3, NM_001083606.3 and 1 more transcripts); c.955A>G, p.Met319Val (NM_001354918.2); short protein forms M319V, M253V, M318V, M168V.
Identifiers: ClinVar variation 524497 (VCV000524497.19), dbSNP rs1438545679, ClinGen allele CA374119806.
Genomic context (GRCh38, chr9:95,480,081, plus strand): 5'-CCTGCCAGTGCATATACTTTCTGGATAAGCCATGACATCCACCATTCAAAACAAGGGCCA[T>C]ATCAAGAGGCTAAAATAAAAAGACAGCCACATAATTATGGGAATTAGTAGGCAGGTCACA-3'
Protein context (NP_000255.2, residues 309-329): PNKNSTKPLD[Met319Val]ALVLNGGCHG